The following is an entry in ClinVar:

NM_138694.4(PKHD1):c.11416del (p.Thr3806fs)

Gene: PKHD1 (PKHD1 ciliary IPT domain containing fibrocystin/polyductin; minus strand). Cytogenetic location: 6p12.3.
Variant type: Deletion.
Coding change: c.11416del on transcript NM_138694.4 (MANE Select); coding-DNA position 11416, one base deleted (A; older notation c.11416delA).
Protein change: p.Thr3806fs; shifts the reading frame from threonine 3806.
Molecular consequence: frameshift variant.
Genome position (GRCh38, 1-based): chr6:51,638,939, T deleted on the plus strand (A on the coding strand, the reverse complement: PKHD1 is on the minus strand); the first of 3 consecutive T bases (chr6:51,638,939-51,638,941); deleting any one gives the same sequence. VCF-style (leftmost placement, unchanged base first): chr6-51638938-GT-G. GRCh37 (hg19) VCF-style: chr6-51503736-GT-G.
Other names: short protein forms T3806fs.
Identifiers: ClinVar variation 2842851 (VCV002842851.3), dbSNP rs2533179337, ClinGen allele CA2739273091.
Genomic context (GRCh38, chr6:51,638,938, plus strand): 5'-TGCCAGTTTGACCCAGAGATCAAGACTGCCAAGTTGTAGAAGCTAACATAACCATCTTGA[GT>G]TTCTGCCTGGGTGCACCCTACAAAAAAGTACAAAACAAAAATTAGCTGTTTATTATCTAA-3'

ClinVar aggregate classification (germline): Pathogenic (1 of 4 stars; one submission).

Conditions:
Autosomal recessive polycystic kidney disease (ARPKD). Also called: AR polycystic kidney disease. Identifiers: Orphanet 731, Orphanet 8378, MedGen C0085548, MeSH D017044, MONDO:0009889.

Submission:

Labcorp Genetics (formerly Invitae), Labcorp
Classification: Pathogenic for Autosomal recessive polycystic kidney disease. Last evaluated: 2023-03-04. Review status: criteria provided, single submitter. Criteria: Invitae Variant Classification Sherloc (09022015). Collection method: clinical testing. Allele origin: germline.
Comment: This sequence change creates a premature translational stop signal (p.Thr3806Leufs*14) in the PKHD1 gene. It is expected to result in an absent or disrupted protein product. Loss-of-function variants in PKHD1 are known to be pathogenic (PMID: 19940839). For these reasons, this variant has been classified as Pathogenic. This variant has not been reported in the literature in individuals affected with PKHD1-related conditions. This variant is not present in population databases (gnomAD no frequency).

Literature cited by the submitters: PubMed 19940839.